The following is an entry in ClinVar:

ClinVar aggregate classification (germline): Likely benign (1 of 4 stars; one submission).

Allele frequency attached by ClinVar (database versions not stated): gnomAD exomes 0.00009; gnomAD 0.00017; 1000 Genomes Project 0.00020; TOPMed 0.00025; 1000 Genomes Project 30x 0.00031; ExAC 0.00061.
gnomAD v4.1: 62 of 586,006 alleles (0.011%); highest among the groups gnomAD compares: Admixed American, 0.12%; no homozygotes.

Submission:

CeGaT Center for Human Genetics Tuebingen
Classification: Likely benign. Last evaluated: 2022-07-01. Review status: criteria provided, single submitter. Criteria: CeGaT Center For Human Genetics Tuebingen Variant Classification Criteria Version 2. Collection method: clinical testing. Allele origin: germline. Affected: yes. Observed: 2 variant alleles.
Comment: HYDIN: BP4

NM_001270974.2(HYDIN):c.8414G>A (p.Arg2805Gln)

Gene: HYDIN (HYDIN axonemal central pair apparatus protein; minus strand). Cytogenetic location: 16q22.2.
Variant type: single nucleotide variant.
Coding change: c.8414G>A on transcript NM_001270974.2 (MANE Select); coding-DNA position 8414, G replaced by A.
Protein change: p.Arg2805Gln; replaces arginine 2805 with glutamine.
Molecular consequence: missense variant.
Genome position (GRCh38, 1-based): chr16:70,907,474, C>T on the plus strand (G>A on the coding strand, the complement: HYDIN is on the minus strand). VCF-style: chr16-70907474-C-T. GRCh37 (hg19) VCF-style: chr16-70941377-C-T.
Other names: short protein forms R2805Q.
Identifiers: ClinVar variation 2646737 (VCV002646737.24), dbSNP rs200593817, ClinGen allele CA8149758.